The following is an entry in ClinVar:

ClinVar aggregate classification (germline): Likely benign. Review status: criteria provided, multiple submitters, no conflicts (2 of 4 stars). 3 submissions from 3 submitters: Likely benign (3). Last evaluated 2025-08-05.

Conditions:
ATL3-related disorder. Also called: ATL3-related condition.
Inborn genetic diseases. Identifiers: MedGen C0950123, MeSH D030342.
Neuropathy, hereditary sensory, type 1F. Also called: Hereditary sensory neuropathy type IF; HSN IF. Identifiers: Orphanet 36386, MedGen C3810194, MONDO:0014286, OMIM 615632.

Allele frequency attached by ClinVar (database versions not stated): 1000 Genomes Project 0.00020; ESP Exome Variant Server 0.00026; gnomAD 0.00035 and 0.00039; TOPMed 0.00042; ExAC 0.00007; gnomAD exomes 0.00009; 1000 Genomes Project 30x 0.00016.

Submissions (3):

Labcorp Genetics (formerly Invitae), Labcorp
Classification: Likely benign for Neuropathy, hereditary sensory, type 1F. Last evaluated: 2025-08-05. Review status: criteria provided, single submitter. Criteria: Invitae Variant Classification Sherloc (09022015). Collection method: clinical testing. Allele origin: germline.

PreventionGenetics, part of Exact Sciences
Classification: Likely benign for ATL3-related condition. Last evaluated: 2025-07-15. Review status: criteria provided, single submitter. Criteria: ACMG Guidelines, 2015. Collection method: clinical testing. Allele origin: germline.
Comment: This variant is classified as likely benign based on ACMG/AMP sequence variant interpretation guidelines (Richards et al. 2015 PMID: 25741868, with internal and published modifications).

Ambry Genetics
Classification: Likely benign for Inborn genetic diseases. Last evaluated: 2019-12-30. Review status: criteria provided, single submitter. Criteria: Ambry Variant Classification Scheme 2023. Collection method: clinical testing. Allele origin: germline.

NM_015459.5(ATL3):c.593A>T (p.Asp198Val)

Genes: ATL3 (atlastin GTPase 3; minus strand), LNCROPM (lncRNA regulator of PLAAT3 mediated phospholipid metabolism; plus strand). Cytogenetic location: 11q13.1.
Variant type: single nucleotide variant.
Coding change: c.593A>T on transcript NM_015459.5 (MANE Select); coding-DNA position 593, A replaced by T.
Protein change: p.Asp198Val; replaces aspartic acid 198 with valine.
Molecular consequence: missense variant.
Genome position (GRCh38, 1-based): chr11:63,646,532, T>A on the plus strand (A>T on the coding strand, the complement: ATL3 is on the minus strand). VCF-style: chr11-63646532-T-A. GRCh37 (hg19) VCF-style: chr11-63414004-T-A.
Other names: c.593A>T (NM_015459.4); c.539A>T, p.Asp180Val (NM_001290048.2); short protein forms D180V, D198V.
Identifiers: ClinVar variation 1114445 (VCV001114445.12), dbSNP rs141657683, ClinGen allele CA6063741.